The following is an entry in ClinVar:

NM_005956.4(MTHFD1):c.1457T>A (p.Val486Glu)

Gene: MTHFD1 (methylenetetrahydrofolate dehydrogenase, cyclohydrolase and formyltetrahydrofolate synthetase 1; plus strand). Cytogenetic location: 14q23.3.
Variant type: single nucleotide variant.
Coding change: c.1457T>A on transcript NM_005956.4 (MANE Select); coding-DNA position 1457, T replaced by A.
Protein change: p.Val486Glu; replaces valine 486 with glutamic acid.
Molecular consequence: missense variant.
Genome position (GRCh38, 1-based): chr14:64,431,824, T>A. VCF-style: chr14-64431824-T-A. GRCh37 (hg19) VCF-style: chr14-64898542-T-A.
Other names: c.1457T>A, p.Val486Glu (NM_001364837.1); short protein forms V486E.
Identifiers: ClinVar variation 1516185 (VCV001516185.6), dbSNP rs2140968521, ClinGen allele CA389991871.

ClinVar aggregate classification (germline): Uncertain significance (1 of 4 stars; one submission).

Submission:

Labcorp Genetics (formerly Invitae), Labcorp
Classification: Uncertain significance. Last evaluated: 2022-09-01. Review status: criteria provided, single submitter. Criteria: Invitae Variant Classification Sherloc (09022015). Collection method: clinical testing. Allele origin: germline.
Comment: This sequence change replaces valine, which is neutral and non-polar, with glutamic acid, which is acidic and polar, at codon 486 of the MTHFD1 protein (p.Val486Glu). In summary, the available evidence is currently insufficient to determine the role of this variant in disease. Therefore, it has been classified as a Variant of Uncertain Significance. Algorithms developed to predict the effect of missense changes on protein structure and function are either unavailable or do not agree on the potential impact of this missense change (SIFT: "Deleterious"; PolyPhen-2: "Benign"; Align-GVGD: "Class C0"). ClinVar contains an entry for this variant (Variation ID: 1516185). This variant has not been reported in the literature in individuals affected with MTHFD1-related conditions. This variant is not present in population databases (gnomAD no frequency).